The following is an entry in ClinVar:

ClinVar aggregate classification (germline): Pathogenic/Likely pathogenic. Review status: criteria provided, multiple submitters, no conflicts (2 of 4 stars). 3 submissions from 3 submitters: Pathogenic (1); Likely pathogenic (2). Last evaluated 2023-07-31.

Submissions (3):

Revvity Omics, Revvity
Classification: Likely pathogenic. Last evaluated: 2023-07-31. Review status: criteria provided, single submitter. Criteria: ACMG Guidelines, 2015. Collection method: clinical testing. Allele origin: germline.

Labcorp Genetics (formerly Invitae), Labcorp
Classification: Likely pathogenic. Last evaluated: 2022-06-30. Review status: criteria provided, single submitter. Criteria: Invitae Variant Classification Sherloc (09022015). Collection method: clinical testing. Allele origin: germline.
Comment: This sequence change replaces glutamic acid, which is acidic and polar, with lysine, which is basic and polar, at codon 407 of the PKLR protein (p.Glu407Lys). This variant is not present in population databases (gnomAD no frequency). In summary, the currently available evidence indicates that the variant is pathogenic, but additional data are needed to prove that conclusively. Therefore, this variant has been classified as Likely Pathogenic. Algorithms developed to predict the effect of missense changes on protein structure and function (SIFT, PolyPhen-2, Align-GVGD) all suggest that this variant is likely to be disruptive. ClinVar contains an entry for this variant (Variation ID: 1330664). This missense change has been observed in individual(s) with PKLR-related conditions (PMID: 16704447, 18759866).

ARUP Laboratories, Molecular Genetics and Genomics, ARUP Laboratories
Classification: Pathogenic. Last evaluated: 2021-10-07. Review status: criteria provided, single submitter. Criteria: ARUP Molecular Germline Variant Investigation Process 2021. Collection method: clinical testing. Allele origin: germline.

Literature cited by the submitters: PubMed 16704447 (cited by Labcorp Genetics (formerly Invitae), Labcorp); PubMed 18759866 (cited by Labcorp Genetics (formerly Invitae), Labcorp).

NM_000298.6(PKLR):c.1219G>A (p.Glu407Lys)

Gene: PKLR (pyruvate kinase L/R; minus strand). Cytogenetic location: 1q22.
Variant type: single nucleotide variant.
Coding change: c.1219G>A on transcript NM_000298.6 (MANE Select); coding-DNA position 1219, G replaced by A.
Protein change: p.Glu407Lys; replaces glutamic acid 407 with lysine.
Molecular consequence: missense variant.
Genome position (GRCh38, 1-based): chr1:155,293,488, C>T on the plus strand (G>A on the coding strand, the complement: PKLR is on the minus strand). VCF-style: chr1-155293488-C-T. GRCh37 (hg19) VCF-style: chr1-155263279-C-T.
Other names: c.1126G>A, p.Glu376Lys (NM_181871.4); short protein forms E376K, E407K.
Identifiers: ClinVar variation 1330664 (VCV001330664.14), dbSNP rs866472917, ClinGen allele CA30901979.
Genomic context (GRCh38, chr1:155,293,488, plus strand): 5'-GAGCTCCTACCGCATGCTGCATCTTCACCGCTTCCACAGGGAAGTTGCCCTTGGCAGTCT[C>T]CCCTGACAGCATGATGCAGTCAGCCCCATCCAGCACAGCATTGGCGACATCGCTTGTCTC-3'
Protein context (NP_000289.1, residues 397-417): DGADCIMLSG[Glu407Lys]TAKGNFPVEA